The following is an entry in ClinVar:

NM_003982.4(SLC7A7):c.1096G>A (p.Gly366Ser)

Gene: SLC7A7 (solute carrier family 7 member 7; minus strand). Cytogenetic location: 14q11.2.
Variant type: single nucleotide variant.
Coding change: c.1096G>A on transcript NM_003982.4 (MANE Select); coding-DNA position 1096, G replaced by A.
Protein change: p.Gly366Ser; replaces glycine 366 with serine.
Molecular consequence: missense variant.
Genome position (GRCh38, 1-based): chr14:22,774,503, C>T on the plus strand (G>A on the coding strand, the complement: SLC7A7 is on the minus strand). VCF-style: chr14-22774503-C-T. GRCh37 (hg19) VCF-style: chr14-23243712-C-T.
Other names: c.1096G>A, p.Gly366Ser (NM_001126105.3, NM_001126106.4); short protein forms G366S.
Identifiers: ClinVar variation 1036334 (VCV001036334.8), dbSNP rs2038556827, ClinGen allele CA388922772.

ClinVar aggregate classification (germline): Uncertain significance (1 of 4 stars; one submission).

Conditions:
Lysinuric protein intolerance (LPI). Identifiers: Orphanet 470, MedGen C0268647, MONDO:0009109, OMIM 222700.

Submission:

Labcorp Genetics (formerly Invitae), Labcorp
Classification: Uncertain significance for Lysinuric protein intolerance. Last evaluated: 2020-07-20. Review status: criteria provided, single submitter. Criteria: Invitae Variant Classification Sherloc (09022015). Collection method: clinical testing. Allele origin: germline.
Comment: Algorithms developed to predict the effect of sequence changes on RNA splicing suggest that this variant may disrupt the consensus splice site, but this prediction has not been confirmed by published transcriptional studies. Algorithms developed to predict the effect of missense changes on protein structure and function are either unavailable or do not agree on the potential impact of this missense change (SIFT: "Tolerated"; PolyPhen-2: "Possibly Damaging"; Align-GVGD: "Class C0"). This variant has not been reported in the literature in individuals with SLC7A7-related conditions. This variant is not present in population databases (ExAC no frequency). This sequence change replaces glycine with serine at codon 366 of the SLC7A7 protein (p.Gly366Ser). The glycine residue is highly conserved and there is a small physicochemical difference between glycine and serine. In summary, the available evidence is currently insufficient to determine the role of this variant in disease. Therefore, it has been classified as a Variant of Uncertain Significance.